The following is an entry in ClinVar:

ClinVar aggregate classification (germline): Likely pathogenic. Review status: criteria provided, single submitter (1 of 4 stars). 3 submissions from 3 submitters: Likely pathogenic (1). 2 of the submissions do not count toward it. Last evaluated 2024-10-04.

Conditions:
Microcephaly 17, primary, autosomal recessive (MCPH17). Identifiers: Orphanet 2512, MedGen C4310723, MONDO:0014908, OMIM 617090.
Autosomal recessive primary microcephaly. Identifiers: Orphanet 2512, MedGen C3711387, MONDO:0016660.

Submissions (3):

Dubai Health Genomic Medicine Center, Dubai Health
Classification: Likely pathogenic for Microcephaly 17, primary, autosomal recessive. Last evaluated: 2024-10-04. Review status: criteria provided, single submitter. Criteria: ACMG Guidelines, 2015. Collection method: research. Allele origin: germline. Affected: yes.
Comment: PVS1,PM2

OMIM
Classification: Pathogenic for MICROCEPHALY 17, PRIMARY, AUTOSOMAL RECESSIVE. Last evaluated: 2016-09-02. Review status: no assertion criteria provided. Collection method: literature only. Allele origin: germline. Not counted in ClinVar's aggregate classification.

Sbielas Lab-Department of Human Genetics University of Michigan, University of Michigan Medical School
Classification: Pathogenic for Autosomal recessive primary microcephaly. Review status: no assertion criteria provided. Collection method: clinical testing. Allele origin: unknown. Affected: yes. Observed: 1 variant allele. Not counted in ClinVar's aggregate classification.

Literature cited by the submitters: PubMed 27453579 (cited by OMIM).

NM_001206999.2(CIT):c.29_38del (p.Asn10fs)

Gene: CIT (citron rho-interacting serine/threonine kinase; minus strand). Cytogenetic location: 12q24.23.
Variant type: Deletion.
Coding change: c.29_38del on transcript NM_001206999.2 (MANE Select); coding-DNA positions 29 to 38, 10 bases deleted (ATCCTTTGGA; older notation c.29_38delATCCTTTGGA).
Protein change: p.Asn10fs; shifts the reading frame from asparagine 10.
Molecular consequence: frameshift variant.
Genome position (GRCh38, 1-based): chr12:119,876,131-119,876,140, TCCAAAGGAT deleted on the plus strand (ATCCTTTGGA on the coding strand, the reverse complement: CIT is on the minus strand); deleting any 10 consecutive bases within chr12:119,876,131-119,876,143 gives the same sequence; the c. name uses the placement nearest the transcript's 3' end. VCF-style (leftmost placement, unchanged base first): chr12-119876130-ATCCAAAGGAT-A. GRCh37 (hg19) VCF-style: chr12-120313934-ATCCAAAGGAT-A.
Other names: c.29_38del, p.Asn10fs (NM_007174.3); short protein forms N10fs.
Identifiers: ClinVar variation 221283 (VCV000221283.4), dbSNP rs879253817, ClinGen allele CA10575847.